The following is an entry in ClinVar:

ClinVar aggregate classification (germline): Uncertain significance (1 of 4 stars; one submission).

Submission:

GeneDx
Classification: Uncertain significance. Last evaluated: 2022-09-27. Review status: criteria provided, single submitter. Criteria: GeneDx Variant Classification Process June 2021. Collection method: clinical testing. Allele origin: germline. Affected: yes.
Comment: In silico analysis supports that this missense variant has a deleterious effect on protein structure/function; Not observed at significant frequency in large population cohorts (gnomAD); Has not been previously published as pathogenic or benign to our knowledge

NM_205768.3(ZBTB18):c.1372T>C (p.Tyr458His)

Gene: ZBTB18 (zinc finger and BTB domain containing 18; plus strand). Cytogenetic location: 1q44.
Variant type: single nucleotide variant.
Coding change: c.1372T>C on transcript NM_205768.3 (MANE Select); coding-DNA position 1372, T replaced by C.
Protein change: p.Tyr458His; replaces tyrosine 458 with histidine.
Molecular consequence: missense variant.
Genome position (GRCh38, 1-based): chr1:244,055,146, T>C. VCF-style: chr1-244055146-T-C. GRCh37 (hg19) VCF-style: chr1-244218448-T-C.
Other names: c.1345T>C, p.Tyr449His (NM_001278196.2, NM_006352.5); short protein forms Y449H, Y458H.
Identifiers: ClinVar variation 1708705 (VCV001708705.2), dbSNP rs2527561268, ClinGen allele CA345674981.
Genomic context (GRCh38, chr1:244,055,146, plus strand): 5'-GAGAGGACTCACTCGGGGGAGAAGCCCTACACATGCACCCAGTGCGGCAAGAGCTTCCAG[T>C]ACTCGCACAACCTGAGCCGCCATGCCGTGGTGCACACCCGCGAGAAGCCGCACGCCTGCA-3'
Protein context (NP_991331.1, residues 448-468): TCTQCGKSFQ[Tyr458His]SHNLSRHAVV